The following is an entry in ClinVar:

NM_001737.5(C9):c.347G>A (p.Arg116Gln)

Gene: C9 (complement C9; minus strand). Cytogenetic location: 5p13.1.
Variant type: single nucleotide variant.
Coding change: c.347G>A on transcript NM_001737.5 (MANE Select); coding-DNA position 347, G replaced by A.
Protein change: p.Arg116Gln; replaces arginine 116 with glutamine.
Molecular consequence: missense variant.
Genome position (GRCh38, 1-based): chr5:39,341,275, C>T on the plus strand (G>A on the coding strand, the complement: C9 is on the minus strand). VCF-style: chr5-39341275-C-T. GRCh37 (hg19) VCF-style: chr5-39341377-C-T.
Other names: short protein forms R116Q.
Identifiers: ClinVar variation 2414302 (VCV002414302.5), dbSNP rs533953561, ClinGen allele CA3247045.

ClinVar aggregate classification (germline): Uncertain significance (1 of 4 stars; one submission).

Allele frequency attached by ClinVar (database versions not stated): 1000 Genomes Project 30x 0.00016; 1000 Genomes Project 0.00020; ExAC 0.00031.
gnomAD v4.1: 187 of 1,614,140 alleles (0.012%); highest among the groups gnomAD compares: South Asian, 0.18%; 3 homozygotes.

Submission:

Labcorp Genetics (formerly Invitae), Labcorp
Classification: Uncertain significance. Last evaluated: 2025-08-04. Review status: criteria provided, single submitter. Criteria: Invitae Variant Classification Sherloc (09022015). Collection method: clinical testing. Allele origin: germline.
Comment: This sequence change replaces arginine, which is basic and polar, with glutamine, which is neutral and polar, at codon 116 of the C9 protein (p.Arg116Gln). This variant is present in population databases (rs533953561, gnomAD 0.2%). This variant has not been reported in the literature in individuals affected with C9-related conditions. ClinVar contains an entry for this variant (Variation ID: 2414302). Invitae Evidence Modeling of protein sequence and biophysical properties (such as structural, functional, and spatial information, amino acid conservation, physicochemical variation, residue mobility, and thermodynamic stability) indicates that this missense variant is not expected to disrupt C9 protein function with a negative predictive value of 80%. In summary, the available evidence is currently insufficient to determine the role of this variant in disease. Therefore, it has been classified as a Variant of Uncertain Significance.